The following is an entry in ClinVar:

ClinVar aggregate classification (germline): Uncertain significance (1 of 4 stars; one submission).

gnomAD v4.1: 1 of 1,558,898 alleles (0.000064%); no homozygotes.

Submission:

Ambry Genetics
Classification: Uncertain significance. Last evaluated: 2022-08-23. Review status: criteria provided, single submitter. Criteria: Ambry Variant Classification Scheme 2023. Collection method: clinical testing. Allele origin: germline.
Comment: The p.S34C variant (also known as c.100A>T), located in coding exon 1 of the EGLN1 gene, results from an A to T substitution at nucleotide position 100. The serine at codon 34 is replaced by cysteine, an amino acid with dissimilar properties. This amino acid position is conserved. In addition, this alteration is predicted to be tolerated by in silico analysis. Since supporting evidence is limited at this time, the clinical significance of this alteration remains unclear.

NM_022051.3(EGLN1):c.100A>T (p.Ser34Cys)

Gene: EGLN1 (egl-9 family hypoxia inducible factor 1; minus strand). Cytogenetic location: 1q42.2.
Variant type: single nucleotide variant.
Coding change: c.100A>T on transcript NM_022051.3 (MANE Select); coding-DNA position 100, A replaced by T.
Protein change: p.Ser34Cys; replaces serine 34 with cysteine.
Molecular consequence: missense variant.
Genome position (GRCh38, 1-based): chr1:231,421,789, T>A on the plus strand (A>T on the coding strand, the complement: EGLN1 is on the minus strand). VCF-style: chr1-231421789-T-A. GRCh37 (hg19) VCF-style: chr1-231557535-T-A.
Other names: c.100A>T, p.Ser34Cys (NM_001377260.1, NM_001377261.1); short protein forms S34C.
Identifiers: ClinVar variation 1795843 (VCV001795843.2), dbSNP rs1285235635, ClinGen allele CA345239040.
Genomic context (GRCh38, chr1:231,421,789, plus strand): 5'-GCTTCTTCCAGTCCTGACGCTGGTGCTCCTTGCAGCAGTAGAAGGAGCTGCGGCAGCGGC[T>A]GCAGCGCAGCAGGTTCTCCATCTTCCCGCACAGCTCGCAGTACTGCCGGTCTCGCTCGCT-3'
Protein context (NP_071334.1, residues 24-44): CGKMENLLRC[Ser34Cys]RCRSSFYCCK